The following is an entry in ClinVar:

NM_020872.3(CNTN3):c.813C>A (p.Ser271Arg)

Gene: CNTN3 (contactin 3; minus strand). Cytogenetic location: 3p12.3.
Variant type: single nucleotide variant.
Coding change: c.813C>A on transcript NM_020872.3 (MANE Select); coding-DNA position 813, C replaced by A.
Protein change: p.Ser271Arg; replaces serine 271 with arginine.
Molecular consequence: missense variant.
Genome position (GRCh38, 1-based): chr3:74,369,322, G>T on the plus strand (C>A on the coding strand, the complement: CNTN3 is on the minus strand). VCF-style: chr3-74369322-G-T. GRCh37 (hg19) VCF-style: chr3-74418473-G-T.
Other names: c.813C>A, p.Ser271Arg (NM_001393376.1); short protein forms S271R.
Identifiers: ClinVar variation 2628958 (VCV002628958.2), dbSNP rs2471707273, ClinGen allele CA353517792.

ClinVar aggregate classification (germline): Uncertain significance (0 of 4 stars; one submission).

Conditions:
CNTN3-related disorder. Also called: CNTN3-related condition.

gnomAD v4.1: 3 of 1,609,258 alleles (0.00019%); highest among the groups gnomAD compares: East Asian, 0.0022%; no homozygotes.

Submission:

PreventionGenetics, part of Exact Sciences
Classification: Uncertain significance for CNTN3-related condition. Last evaluated: 2024-05-14. Review status: no assertion criteria provided. Collection method: clinical testing. Allele origin: germline.
Comment: The CNTN3 c.813C>A variant is predicted to result in the amino acid substitution p.Ser271Arg. To our knowledge, this variant has not been reported in the literature or in a large population database, indicating this variant is rare. At this time, the clinical significance of this variant is uncertain due to the absence of conclusive functional and genetic evidence.